The following is an entry in ClinVar:

NM_001041.4(SI):c.3061G>C (p.Glu1021Gln)

Gene: SI (sucrase-isomaltase; minus strand). Cytogenetic location: 3q26.1.
Variant type: single nucleotide variant.
Coding change: c.3061G>C on transcript NM_001041.4 (MANE Select); coding-DNA position 3061, G replaced by C.
Protein change: p.Glu1021Gln; replaces glutamic acid 1021 with glutamine.
Molecular consequence: missense variant.
Genome position (GRCh38, 1-based): chr3:165,023,608, C>G on the plus strand (G>C on the coding strand, the complement: SI is on the minus strand). VCF-style: chr3-165023608-C-G. GRCh37 (hg19) VCF-style: chr3-164741396-C-G.
Other names: short protein forms E1021Q.
Identifiers: ClinVar variation 1958855 (VCV001958855.3), dbSNP rs139183302, ClinGen allele CA2690405.
Genomic context (GRCh38, chr3:165,023,608, plus strand): 5'-GGGTAGTTTATATCAAGCATACCTTAAACTGCAACATATCATTTTTGTGATATTTCACCT[C>G]CACACGAAGAGTTGAGATGGGGTCAGAAGGTAACTTTATTCTGGCATTTGCAGTATTTAG-3'
Protein context (NP_001032.2, residues 1011-1031): PSDPISTLRV[Glu1021Gln]VKYHKNDMLQ

ClinVar aggregate classification (germline): Uncertain significance (1 of 4 stars; one submission).

Allele frequency attached by ClinVar (database versions not stated): gnomAD exomes 0.00001; TOPMed 0.00001; ExAC 0.00002; gnomAD 0.00002; ESP Exome Variant Server 0.00008.

Submission:

Labcorp Genetics (formerly Invitae), Labcorp
Classification: Uncertain significance. Last evaluated: 2022-08-26. Review status: criteria provided, single submitter. Criteria: Invitae Variant Classification Sherloc (09022015). Collection method: clinical testing. Allele origin: germline.
Comment: This variant is present in population databases (rs139183302, gnomAD 0.003%). In summary, the available evidence is currently insufficient to determine the role of this variant in disease. Therefore, it has been classified as a Variant of Uncertain Significance. Algorithms developed to predict the effect of sequence changes on RNA splicing suggest that this variant may disrupt the consensus splice site. Advanced modeling of protein sequence and biophysical properties (such as structural, functional, and spatial information, amino acid conservation, physicochemical variation, residue mobility, and thermodynamic stability) performed at Invitae indicates that this missense variant is not expected to disrupt SI protein function. This variant has not been reported in the literature in individuals affected with SI-related conditions. This sequence change replaces glutamic acid, which is acidic and polar, with glutamine, which is neutral and polar, at codon 1021 of the SI protein (p.Glu1021Gln).